The following is an entry in ClinVar:

ClinVar aggregate classification (germline): Uncertain significance (1 of 4 stars; one submission).

Conditions:
Treacher Collins syndrome 1 (TCS1). Also called: TCOF1-Related Treacher Collins Syndrome. Identifiers: Orphanet 861, MedGen CN315775, MONDO:0007944, OMIM 154500.

gnomAD v4.1: 9 of 1,603,526 alleles (0.00056%); highest among the groups gnomAD compares: Non-Finnish European, 0.00077%; no homozygotes.

Submission:

Labcorp Genetics (formerly Invitae), Labcorp
Classification: Uncertain significance for Treacher Collins syndrome 1. Last evaluated: 2024-07-08. Review status: criteria provided, single submitter. Criteria: Invitae Variant Classification Sherloc (09022015). Collection method: clinical testing. Allele origin: germline.
Comment: This sequence change replaces arginine, which is basic and polar, with serine, which is neutral and polar, at codon 1345 of the TCOF1 protein (p.Arg1345Ser). This variant is present in population databases (rs781234452, gnomAD 0.002%). This variant has not been reported in the literature in individuals affected with TCOF1-related conditions. This missense change has been observed in at least one individual who was not affected with TCOF1-related conditions (Invitae). An algorithm developed to predict the effect of missense changes on protein structure and function (PolyPhen-2) suggests that this variant is likely to be disruptive. In summary, the available evidence is currently insufficient to determine the role of this variant in disease. Therefore, it has been classified as a Variant of Uncertain Significance.

NM_001371623.1(TCOF1):c.4036C>A (p.Arg1346Ser)

Gene: TCOF1 (treacle ribosome biogenesis factor 1; plus strand). Cytogenetic location: 5q32.
Variant type: single nucleotide variant.
Coding change: c.4036C>A on transcript NM_001371623.1 (MANE Select); coding-DNA position 4036, C replaced by A.
Protein change: p.Arg1346Ser; replaces arginine 1346 with serine.
Molecular consequence: missense variant.
Genome position (GRCh38, 1-based): chr5:150,396,533, C>A. VCF-style: chr5-150396533-C-A. GRCh37 (hg19) VCF-style: chr5-149776096-C-A.
Other names: c.3802C>A, p.Arg1268Ser (NM_000356.4); c.4033C>A, p.Arg1345Ser (NM_001135243.2); c.3922C>A, p.Arg1308Ser (NM_001135244.2); c.3805C>A, p.Arg1269Ser (NM_001135245.2); c.3919C>A, p.Arg1307Ser (NM_001195141.2); short protein forms R1269S, R1346S, R1307S, R1308S, R1268S, R1345S.
Identifiers: ClinVar variation 3680455 (VCV003680455.2).
Genomic context (GRCh38, chr5:150,396,533, plus strand): 5'-CAGGAAAGAAAGAAGGTGGTGGACACCACCAAGGAGAGCAGCAGGAAGGGCTGGGAGAGC[C>A]GCAAGCGGAAGCTATCGGGAGACCAGCCAGCTGCCAGGACCCCCAGGAGCAAGAAGAAGA-3'
Protein context (NP_001358552.1, residues 1336-1356): KESSRKGWES[Arg1346Ser]KRKLSGDQPA